The following is an entry in ClinVar:

ClinVar aggregate classification (germline): Uncertain significance (1 of 4 stars; one submission).

Conditions:
Hereditary cancer-predisposing syndrome. Also called: Tumor predisposition; Neoplastic Syndromes, Hereditary; Hereditary Cancer Syndrome; Hereditary neoplastic syndrome. Identifiers: Orphanet 140162, MedGen C0027672, MeSH D009386, MONDO:0015356.

Submission:

Ambry Genetics
Classification: Uncertain significance for Hereditary cancer-predisposing syndrome. Last evaluated: 2024-10-17. Review status: criteria provided, single submitter. Criteria: Ambry Variant Classification Scheme 2023. Collection method: clinical testing. Allele origin: germline.
Comment: The p.A1163D variant (also known as c.3488C>A), located in coding exon 17 of the BLM gene, results from a C to A substitution at nucleotide position 3488. The alanine at codon 1163 is replaced by aspartic acid, an amino acid with dissimilar properties. This amino acid position is conserved. In addition, this alteration is predicted to be tolerated by in silico analysis. Based on the available evidence, the clinical significance of this variant remains unclear.

NM_000057.4(BLM):c.3488C>A (p.Ala1163Asp)

Gene: BLM (BLM RecQ like helicase; plus strand). Cytogenetic location: 15q26.1.
Variant type: single nucleotide variant.
Coding change: c.3488C>A on transcript NM_000057.4 (MANE Select); coding-DNA position 3488, C replaced by A.
Protein change: p.Ala1163Asp; replaces alanine 1163 with aspartic acid.
Molecular consequence: missense variant. On other transcripts: intron variant (1).
Genome position (GRCh38, 1-based): chr15:90,803,650, C>A. VCF-style: chr15-90803650-C-A. GRCh37 (hg19) VCF-style: chr15-91346880-C-A.
Other names: c.3488C>A, p.Ala1163Asp (NM_001287246.2); c.2363C>A, p.Ala788Asp (NM_001287248.2); c.3358+5313C>A (NM_001287247.2); short protein forms A1163D, A788D.
Identifiers: ClinVar variation 3480879 (VCV003480879.1).